The following is an entry in ClinVar:

ClinVar aggregate classification (germline): Likely benign (0 of 4 stars; one submission).

Conditions:
ITGA4-related disorder. Also called: ITGA4-related condition.

Allele frequency attached by ClinVar (database versions not stated): gnomAD 0.00004; ExAC 0.00009.
gnomAD v4.1: 83 of 1,553,678 alleles (0.0053%); highest among the groups gnomAD compares: African/African-American, 0.0095%; no homozygotes.

Submission:

PreventionGenetics, part of Exact Sciences
Classification: Likely benign for ITGA4-related condition. Last evaluated: 2019-08-16. Review status: no assertion criteria provided. Collection method: clinical testing. Allele origin: germline.
Comment: This variant is classified as likely benign based on ACMG/AMP sequence variant interpretation guidelines (Richards et al. 2015 PMID: 25741868, with internal and published modifications).

NM_000885.6(ITGA4):c.2880G>A (p.Ala960=)

Gene: ITGA4 (integrin subunit alpha 4; plus strand). Cytogenetic location: 2q31.3.
Variant type: single nucleotide variant.
Coding change: c.2880G>A on transcript NM_000885.6 (MANE Select); coding-DNA position 2880, G replaced by A.
Protein change: p.Ala960=; no amino-acid change (alanine 960 retained).
Molecular consequence: synonymous variant.
Genome position (GRCh38, 1-based): chr2:181,534,367, G>A. VCF-style: chr2-181534367-G-A. GRCh37 (hg19) VCF-style: chr2-182399094-G-A.
Identifiers: ClinVar variation 3052620 (VCV003052620.2), dbSNP rs201433950, ClinGen allele CA2010105.